The following is an entry in ClinVar:

ClinVar aggregate classification (germline): Likely benign. Review status: criteria provided, multiple submitters, no conflicts (2 of 4 stars). 2 submissions from 2 submitters: Likely benign (2). Last evaluated 2024-04-25.

Conditions:
Developmental and epileptic encephalopathy, 1 (DEE1). Also called: X-linked infantile spasms; West's syndrome; Tonic spasms with clustering, arrest of psychomotor development and hypsarrhythmia on EEG; X-Linked Infantile Spasm Syndrome; OHTAHARA SYNDROME, X-LINKED; Epileptic encephalopathy, early infantile, 1. Identifiers: MedGen C3463992, MONDO:0010632, OMIM 308350. Disease mechanism: loss of function.
Intellectual disability, X-linked, with or without seizures, ARX-related. Also called: Mental retardation, X-linked 52; INTELLECTUAL DEVELOPMENTAL DISORDER, X-LINKED 29; MENTAL RETARDATION, X-LINKED 29; MENTAL RETARDATION, X-LINKED 32; MENTAL RETARDATION, X-LINKED 33; MENTAL RETARDATION, X-LINKED 38. Identifiers: Orphanet 777, MedGen C0796244, MONDO:0010317, OMIM 300419.

Allele frequency attached by ClinVar (database versions not stated): TOPMed 0.00003; gnomAD exomes 0.00005.
gnomAD v4.1: 30 of 1,119,464 alleles (0.0027%); highest among the groups gnomAD compares: Non-Finnish European, 0.00047%; no homozygotes.

Submissions (2):

Labcorp Genetics (formerly Invitae), Labcorp
Classification: Likely benign for Developmental and epileptic encephalopathy, 1; Intellectual disability, X-linked, with or without seizures, ARX-related. Last evaluated: 2024-04-25. Review status: criteria provided, single submitter. Criteria: Invitae Variant Classification Sherloc (09022015). Collection method: clinical testing. Allele origin: germline.

GeneDx
Classification: Likely benign. Last evaluated: 2017-01-20. Review status: criteria provided, single submitter. Criteria: GeneDx Variant Classification (06012015). Collection method: clinical testing. Allele origin: germline. Affected: yes.
Comment: This variant is considered likely benign or benign based on one or more of the following criteria: it is a conservative change, it occurs at a poorly conserved position in the protein, it is predicted to be benign by multiple in silico algorithms, and/or has population frequency not consistent with disease.

NM_139058.3(ARX):c.1263G>C (p.Pro421=)

Gene: ARX (aristaless related homeobox; minus strand). Cytogenetic location: Xp21.3.
Variant type: single nucleotide variant.
Coding change: c.1263G>C on transcript NM_139058.3 (MANE Select); coding-DNA position 1263, G replaced by C.
Protein change: p.Pro421=; no amino-acid change (proline 421 retained).
Molecular consequence: synonymous variant.
Genome position (GRCh38, 1-based): chrX:25,007,296, C>G on the plus strand (G>C on the coding strand, the complement: ARX is on the minus strand). VCF-style: chrX-25007296-C-G. GRCh37 (hg19) VCF-style: chrX-25025413-C-G.
Identifiers: ClinVar variation 516097 (VCV000516097.10), dbSNP rs923672115, ClinGen allele CA327732619.